The following is an entry in ClinVar:

ClinVar aggregate classification (germline): Likely benign (1 of 4 stars; one submission).

Allele frequency attached by ClinVar (database versions not stated): gnomAD exomes 0.00010; ExAC 0.00046; gnomAD 0.00117; TOPMed 0.00118; ESP Exome Variant Server 0.00123; 1000 Genomes Project 30x 0.00281; 1000 Genomes Project 0.00300.
gnomAD v4.1: 346 of 1,613,862 alleles (0.021%); highest among the groups gnomAD compares: African/African-American, 0.4%; 4 homozygotes.

Submission:

CeGaT Center for Human Genetics Tuebingen
Classification: Likely benign. Last evaluated: 2022-08-01. Review status: criteria provided, single submitter. Criteria: CeGaT Center For Human Genetics Tuebingen Variant Classification Criteria Version 2. Collection method: clinical testing. Allele origin: germline. Affected: yes. Observed: 1 variant allele.
Comment: ZNF132: BP4, BP7

NM_003433.4(ZNF132):c.1836C>T (p.Ser612=)

Genes: ZNF132 (zinc finger protein 132; minus strand), ZNF324B (zinc finger protein 324B; plus strand). Cytogenetic location: 19q13.43.
Variant type: single nucleotide variant.
Coding change: c.1836C>T on transcript NM_003433.4 (MANE Select); coding-DNA position 1836, C replaced by T.
Protein change: p.Ser612=; no amino-acid change (serine 612 retained).
Molecular consequence: synonymous variant.
Genome position (GRCh38, 1-based): chr19:58,433,608, G>A on the plus strand (C>T on the coding strand, the complement: ZNF132 is on the minus strand). VCF-style: chr19-58433608-G-A. GRCh37 (hg19) VCF-style: chr19-58944975-G-A.
Identifiers: ClinVar variation 2650588 (VCV002650588.24), dbSNP rs77411360, ClinGen allele CA9715629.